The following is an entry in ClinVar:

ClinVar aggregate classification (germline): Benign (1 of 4 stars; one submission).

Allele frequency attached by ClinVar (database versions not stated): 1000 Genomes Project 30x 0.01546; 1000 Genomes Project 0.01617; TOPMed 0.03036; gnomAD 0.03484 and 0.03579.
gnomAD v4.1: 5,309 of 152,282 alleles (3.5%); highest among the groups gnomAD compares: Non-Finnish European, 5%; 149 homozygotes.

Submission:

GeneDx
Classification: Benign. Last evaluated: 2018-06-14. Review status: criteria provided, single submitter. Criteria: GeneDx Variant Classification (06012015). Collection method: clinical testing. Allele origin: germline. Affected: yes.
Comment: This variant is considered likely benign or benign based on one or more of the following criteria: it is a conservative change, it occurs at a poorly conserved position in the protein, it is predicted to be benign by multiple in silico algorithms, and/or has population frequency not consistent with disease.

NM_001083962.2(TCF4):c.1350+281C>A

Gene: TCF4 (transcription factor 4; minus strand). Cytogenetic location: 18q21.2.
Variant type: single nucleotide variant.
Coding change: c.1350+281C>A on transcript NM_001083962.2 (MANE Select); 281 bases into the intron after coding-DNA position 1350, C replaced by A.
Molecular consequence: intron variant.
Genome position (GRCh38, 1-based): chr18:55,254,216, G>T on the plus strand (C>A on the coding strand, the complement: TCF4 is on the minus strand). VCF-style: chr18-55254216-G-T. GRCh37 (hg19) VCF-style: chr18-52921447-G-T.
Other names: c.1656+281C>A (NM_001243226.3); c.1275+281C>A (NM_001369584.1, NM_001369576.1, NM_001369577.1 and 6 more transcripts); c.1278+281C>A (NM_001369582.1, NM_001243227.2, NM_001369583.1 and 5 more transcripts); c.1281+281C>A (NM_001369586.1); c.1350+281C>A (NM_001369571.1, NM_001369567.1, NM_001369572.1 and 2 more transcripts); c.1368+281C>A (NM_001243228.2); c.1341+281C>A (NM_001243230.2); c.1347+281C>A (NM_001369569.1, NM_001369573.1, NM_001369570.1 and 2 more transcripts); and 6 more.
Identifiers: ClinVar variation 669789 (VCV000669789.1), dbSNP rs62092441, ClinGen allele CA14518471.